The following is an entry in ClinVar:

NM_006279.5(ST3GAL3):c.631G>A (p.Glu211Lys)

Gene: ST3GAL3 (ST3 beta-galactoside alpha-2,3-sialyltransferase 3; plus strand). Cytogenetic location: 1p34.1.
Variant type: single nucleotide variant.
Coding change: c.631G>A on transcript NM_006279.5 (MANE Select); coding-DNA position 631, G replaced by A.
Protein change: p.Glu211Lys; replaces glutamic acid 211 with lysine.
Molecular consequence: missense variant. On other transcripts: non-coding transcript variant (5), intron variant (7).
Genome position (GRCh38, 1-based): chr1:43,899,614, G>A. VCF-style: chr1-43899614-G-A. GRCh37 (hg19) VCF-style: chr1-44365286-G-A.
Other names: c.631G>A, p.Glu211Lys (NM_001270459.2, NM_001350620.2, NM_174966.4); c.538G>A, p.Glu180Lys (NM_001270460.2); c.583G>A, p.Glu195Lys (NM_001270461.3, NM_174969.4); c.490G>A, p.Glu164Lys (NM_001270462.3); c.676G>A, p.Glu226Lys (NM_001350619.2, NM_174964.4); c.352G>A, p.Glu118Lys (NM_001350621.2); c.793G>A, p.Glu265Lys (NM_001363573.2, NM_174968.5); c.838G>A, p.Glu280Lys (NM_174963.5); and 8 more; short protein forms E211K, E280K, E118K, E180K, E195K, E265K, E164K, E226K.
Identifiers: ClinVar variation 634485 (VCV000634485.5), dbSNP rs1448699021, ClinGen allele CA340270289.

ClinVar aggregate classification (germline): Uncertain significance. Review status: criteria provided, multiple submitters, no conflicts (2 of 4 stars). 2 submissions from 2 submitters: Uncertain significance (2). Last evaluated 2019-10-21.

Conditions:
Developmental and epileptic encephalopathy, 1 (DEE1). Also called: INFANTILE SPASM SYNDROME, X-LINKED 1; X-linked infantile spasms; West's syndrome; Tonic spasms with clustering, arrest of psychomotor development and hypsarrhythmia on EEG; X-Linked Infantile Spasm Syndrome; Epileptic encephalopathy, early infantile, 1. Identifiers: MedGen C3463992, MONDO:0010632, OMIM 308350. Disease mechanism: loss of function.
Developmental and epileptic encephalopathy, 15 (DEE15). Also called: Early infantile epileptic encephalopathy 15. Identifiers: Orphanet 3451, MedGen C3554316, MONDO:0014003, OMIM 615006.

Allele frequency attached by ClinVar (database versions not stated): gnomAD exomes below 0.00001 and 0.00001; gnomAD 0.00001.
gnomAD v4.1: 3 of 1,614,032 alleles (0.00019%); highest among the groups gnomAD compares: African/African-American, 0.0013%; no homozygotes.

Submissions (2):

Baylor Genetics
Classification: Uncertain significance for Developmental and epileptic encephalopathy, 15. Last evaluated: 2019-10-21. Review status: criteria provided, single submitter. Criteria: ACMG Guidelines, 2015. Collection method: clinical testing. Allele origin: unknown. Affected: yes.
Comment: This variant was determined to be of uncertain significance according to ACMG Guidelines, 2015 [PMID:25741868].

Genomic Research Center, Shahid Beheshti University of Medical Sciences
Classification: Uncertain significance for Epileptic encephalopathy, early infantile, 1. Last evaluated: 2019-01-01. Review status: criteria provided, single submitter. Criteria: ACMG Guidelines, 2015. Collection method: clinical testing. Allele origin: inherited. Affected: yes. Observed: 1 variant allele.